The following is an entry in ClinVar:

NM_000236.3(LIPC):c.209A>G (p.Asp70Gly)

Gene: LIPC (lipase C, hepatic type; plus strand). Cytogenetic location: 15q21.3.
Variant type: single nucleotide variant.
Coding change: c.209A>G on transcript NM_000236.3 (MANE Select); coding-DNA position 209, A replaced by G.
Protein change: p.Asp70Gly; replaces aspartic acid 70 with glycine.
Molecular consequence: missense variant.
Genome position (GRCh38, 1-based): chr15:58,538,453, A>G. VCF-style: chr15-58538453-A-G. GRCh37 (hg19) VCF-style: chr15-58830652-A-G.
Other names: short protein forms D70G.
Identifiers: ClinVar variation 2662937 (VCV002662937.1), dbSNP rs1313779982, ClinGen allele CA392610902.

ClinVar aggregate classification (germline): Uncertain significance (1 of 4 stars; one submission).

Allele frequency attached by ClinVar (database versions not stated): gnomAD exomes below 0.00001; TOPMed below 0.00001.
gnomAD v4.1: 2 of 1,614,194 alleles (0.00012%); highest among the groups gnomAD compares: Non-Finnish European, 0.000085%; no homozygotes.

Submission:

GeneDx
Classification: Uncertain significance. Last evaluated: 2023-04-07. Review status: criteria provided, single submitter. Criteria: GeneDx Variant Classification Process June 2021. Collection method: clinical testing. Allele origin: germline. Affected: yes.
Comment: Not observed at significant frequency in large population cohorts (gnomAD); In silico analysis supports that this missense variant has a deleterious effect on protein structure/function; Has not been previously published as pathogenic or benign to our knowledge